The following is an entry in ClinVar:

ClinVar aggregate classification (germline): Benign/Likely benign. Review status: criteria provided, multiple submitters, no conflicts (2 of 4 stars). 7 submissions from 7 submitters: Benign (1); Likely benign (5). 1 of the submissions does not count toward it. Last evaluated 2025-09-01.

Conditions:
Lateral meningocele syndrome (LMNS). Also called: NOTCH3-Related Lateral Meningocele Syndrome. Identifiers: Orphanet 2789, MedGen C1851710, MONDO:0007537, OMIM 130720.
Myofibromatosis, infantile, 2. Identifiers: Orphanet 2591, MedGen C3809084, MONDO:0014122, OMIM 615293.
Cerebral arteriopathy, autosomal dominant, with subcortical infarcts and leukoencephalopathy, type 1 (CADASIL1). Also called: CADASIL 1; Cerebral arteriopathy with subcortical infarcts and leukoencephalopathy 1; CASIL; DEMENTIA, HEREDITARY MULTIINFARCT TYPE. Identifiers: Orphanet 136, MedGen C4551768, MONDO:0000914, OMIM 125310.
Cerebral arteriopathy with subcortical infarcts and leukoencephalopathy. Also called: Cerebral autosomal dominant arteriopathy with subcortical infarcts and leukoencephalopathy. Identifiers: MedGen C0751587, MONDO:0007432.

Allele frequency attached by ClinVar (database versions not stated): gnomAD 0.00004; ExAC 0.00006; TOPMed 0.00006; gnomAD exomes 0.00007 and 0.00013; ESP Exome Variant Server 0.00008.

Submissions (7):

CeGaT Center for Human Genetics Tuebingen
Classification: Likely benign. Last evaluated: 2025-09-01. Review status: criteria provided, single submitter. Criteria: CeGaT Center For Human Genetics Tuebingen Variant Classification Criteria Version 2. Collection method: clinical testing. Allele origin: germline. Affected: yes. Observed: 1 variant allele.
Comment: NOTCH3: BP4, BP7

Labcorp Genetics (formerly Invitae), Labcorp
Classification: Likely benign. Last evaluated: 2024-10-23. Review status: criteria provided, single submitter. Criteria: Invitae Variant Classification Sherloc (09022015). Collection method: clinical testing. Allele origin: germline.

Blueprint Genetics
Classification: Likely benign. Last evaluated: 2024-10-14. Review status: criteria provided, single submitter. Criteria: ACMG Guidelines, 2015. Collection method: clinical testing. Allele origin: germline.

Fulgent Genetics
Classification: Likely benign for Cerebral arteriopathy, autosomal dominant, with subcortical infarcts and leukoencephalopathy, type 1; Lateral meningocele syndrome; Myofibromatosis, infantile, 2. Last evaluated: 2021-09-29. Review status: criteria provided, single submitter. Criteria: ACMG Guidelines, 2015. Collection method: clinical testing. Allele origin: unknown.

Athena Diagnostics
Classification: Benign. Last evaluated: 2019-03-15. Review status: criteria provided, single submitter. Criteria: Athena Diagnostics Criteria. Collection method: clinical testing. Allele origin: germline.

Illumina Laboratory Services, Illumina
Classification: Likely benign for Cerebral arteriopathy, autosomal dominant, with subcortical infarcts and leukoencephalopathy, type 1. Last evaluated: 2018-01-13. Review status: criteria provided, single submitter. Criteria: ICSL Variant Classification Criteria 13 December 2019. Collection method: clinical testing. Allele origin: germline.
Comment: This variant was observed in the ICSL laboratory as part of a predisposition screen in an ostensibly healthy population. It had not been previously curated by ICSL or reported in the Human Gene Mutation Database (HGMD: prior to June 1st, 2018), and was therefore a candidate for classification through an automated scoring system. Utilizing variant allele frequency, disease prevalence and penetrance estimates, and inheritance mode, an automated score was calculated to assess if this variant is too frequent to cause the disease. Based on the score and internal cut-off values, a variant classified as likely benign is not then subjected to further curation. The score for this variant resulted in a classification of likely benign for this disease.

Molecular Genetics Laboratory, BC Children's and BC Women's Hospitals
Classification: Likely benign for Cerebral arteriopathy with subcortical infarcts and leukoencephalopathy. Last evaluated: 2021-05-10. Review status: no assertion criteria provided. Criteria: ACMG Guidelines, 2015. Collection method: clinical testing. Allele origin: germline. Affected: yes. Not counted in ClinVar's aggregate classification.

NM_000435.3(NOTCH3):c.825G>A (p.Val275=)

Gene: NOTCH3 (notch receptor 3; minus strand). Cytogenetic location: 19p13.12.
Variant type: single nucleotide variant.
Coding change: c.825G>A on transcript NM_000435.3 (MANE Select); coding-DNA position 825, G replaced by A.
Protein change: p.Val275=; no amino-acid change (valine 275 retained).
Molecular consequence: synonymous variant.
Genome position (GRCh38, 1-based): chr19:15,191,635, C>T on the plus strand (G>A on the coding strand, the complement: NOTCH3 is on the minus strand). VCF-style: chr19-15191635-C-T. GRCh37 (hg19) VCF-style: chr19-15302446-C-T.
Identifiers: ClinVar variation 328416 (VCV000328416.18), dbSNP rs138837495, ClinGen allele CA9263770.
Genomic context (GRCh38, chr19:15,191,635, plus strand): 5'-CAGCGTGTTGAAGCAGGTACCCCCATTGTGGCAGGCGTTGGGCTGCAGCTGACACTCATC[C>T]ACGTCCTCCGTGCAGAACTGGCCTGTGGCACACAGATGCAGCAGTCCAGCCACCTGGCGC-3'
Protein context (NP_000426.2, residues 265-285): EWTGQFCTED[Val275=]DECQLQPNAC